The following is an entry in ClinVar:

ClinVar aggregate classification (germline): Uncertain significance (1 of 4 stars; one submission).

Submission:

Labcorp Genetics (formerly Invitae), Labcorp
Classification: Uncertain significance. Last evaluated: 2022-06-14. Review status: criteria provided, single submitter. Criteria: Invitae Variant Classification Sherloc (09022015). Collection method: clinical testing. Allele origin: germline.
Comment: Algorithms developed to predict the effect of missense changes on protein structure and function (SIFT, PolyPhen-2, Align-GVGD) all suggest that this variant is likely to be tolerated. In summary, the available evidence is currently insufficient to determine the role of this variant in disease. Therefore, it has been classified as a Variant of Uncertain Significance. This variant has not been reported in the literature in individuals affected with MACF1-related conditions. This variant is not present in population databases (gnomAD no frequency). This sequence change replaces alanine, which is neutral and non-polar, with threonine, which is neutral and polar, at codon 1324 of the MACF1 protein (p.Ala1324Thr).

NM_001394062.1(MACF1):c.3955G>A (p.Ala1319Thr)

Gene: MACF1 (microtubule actin crosslinking factor 1; plus strand). Cytogenetic location: 1p34.3.
Variant type: single nucleotide variant.
Coding change: c.3955G>A on transcript NM_001394062.1 (MANE Select); coding-DNA position 3955, G replaced by A.
Protein change: p.Ala1319Thr; replaces alanine 1319 with threonine.
Molecular consequence: missense variant.
Genome position (GRCh38, 1-based): chr1:39,319,673, G>A. VCF-style: chr1-39319673-G-A. GRCh37 (hg19) VCF-style: chr1-39785345-G-A.
Other names: c.3970G>A, p.Ala1324Thr (NM_012090.5); short protein forms A1319T, A1324T.
Identifiers: ClinVar variation 2006277 (VCV002006277.4), dbSNP rs1646476624, ClinGen allele CA339789214.